The following is an entry in ClinVar:

ClinVar aggregate classification (germline): Pathogenic/Likely pathogenic. Review status: criteria provided, multiple submitters, no conflicts (2 of 4 stars). 2 submissions from 2 submitters: Pathogenic (1); Likely pathogenic (1). Last evaluated 2024-02-09.

Conditions:
MYBPC3-related disorder. Also called: MYBPC3-related condition; MYBPC3-related disease; MYBPC3-related disorders.
Hypertrophic cardiomyopathy 4. Also called: Familial hypertrophic cardiomyopathy 4. Identifiers: MedGen C1861862, MONDO:0007268, OMIM 115197.

Submissions (2):

Blueprint Genetics
Classification: Likely pathogenic for MYBPC3-related disorders. Last evaluated: 2024-02-09. Review status: criteria provided, single submitter. Criteria: ACMG Guidelines, 2015. Collection method: clinical testing. Allele origin: germline. Affected: yes. Observed: 3 variant alleles.

Victorian Clinical Genetics Services, Murdoch Childrens Research Institute
Classification: Pathogenic for Hypertrophic cardiomyopathy 4. Last evaluated: 2023-07-17. Review status: criteria provided, single submitter. Criteria: ACMG Guidelines, 2015. Collection method: clinical testing. Allele origin: germline. Inheritance: Autosomal dominant inheritance. Affected: no.
Comment: Based on the classification scheme VCGS_Germline_v1.3.4, this variant is classified as Pathogenic. Following criteria are met: 0102 - Loss of function is a known mechanism of disease in this gene and is associated with hypertrophic cardiomyopathy 4 (HCM; MIM#115197). (I) 0108 - This gene is associated with both recessive and dominant disease. Dominant inheritance is frequently reported in adult onset conditions and recessive inheritance results in a more severe early onset phenotype (OMIM). (I) 0115 - Variants in this gene are known to have variable expressivity (PMID: 32841044). (I) 0201 - Variant is predicted to cause nonsense-mediated decay (NMD) and loss of protein (premature termination codon is located at least 54 nucleotides upstream of the final exon-exon junction). (SP) 0251 - This variant is heterozygous. (I) 0301 - Variant is absent from gnomAD (both v2 and v3). (SP) 0701 - Other premature termination variants comparable to the one identified in this case have very strong previous evidence for pathogenicity. Many NMD-predicted variants in this gene have been reported as likely pathogenic/pathogenic (ClinVar). (SP) 0807 - This variant has no previous evidence of pathogenicity. (I) 0905 - No published segregation evidence has been identified for this variant. (I) 1007 - No published functional evidence has been identified for this variant. (I) 1208 - Inheritance information for this variant is not currently available in this individual. (I) Legend: (SP) - Supporting pathogenic, (I) - Information, (SB) - Supporting benign

Literature cited by the submitters: PubMed 32841044 (cited by Victorian Clinical Genetics Services, Murdoch Childrens Research Institute).

NM_000256.3(MYBPC3):c.58del (p.Glu20fs)

Gene: MYBPC3 (myosin binding protein C3; minus strand). Cytogenetic location: 11p11.2.
Variant type: Deletion.
Coding change: c.58del on transcript NM_000256.3 (MANE Select); coding-DNA position 58, one base deleted (G; older notation c.58delG).
Protein change: p.Glu20fs; shifts the reading frame from glutamic acid 20.
Molecular consequence: frameshift variant.
Genome position (GRCh38, 1-based): chr11:47,351,473, C deleted on the plus strand (G on the coding strand, the reverse complement: MYBPC3 is on the minus strand); the first of 2 consecutive C bases (chr11:47,351,473-47,351,474); deleting either gives the same sequence. VCF-style (leftmost placement, unchanged base first): chr11-47351472-TC-T. GRCh37 (hg19) VCF-style: chr11-47373023-TC-T.
Other names: c.58delG (NM_000256.3); short protein forms E20fs.
Identifiers: ClinVar variation 3376707 (VCV003376707.2).